The following is an entry in ClinVar:

ClinVar aggregate classification (germline): Pathogenic (1 of 4 stars; one submission).

Conditions:
Arrhythmogenic cardiomyopathy with wooly hair and keratoderma. Also called: PALMOPLANTAR KERATODERMA WITH LEFT VENTRICULAR CARDIOMYOPATHY AND WOOLLY HAIR; Carvajal syndrome; Dilated cardiomyopathy with woolly hair and keratoderma; Arrhythmogenic cardiomyopathy with woolly hair and keratoderma. Identifiers: Orphanet 65282, MedGen C1854063, MONDO:0011581, OMIM 605676.
Arrhythmogenic right ventricular dysplasia 8 (ARVD8). Also called: ARRHYTHMOGENIC RIGHT VENTRICULAR DYSPLASIA, FAMILIAL, 8; ARRHYTHMOGENIC RIGHT VENTRICULAR CARDIOMYOPATHY 8; Arrhythmogenic Right Ventricular Dysplasia/Cardiomyopathy 8. Identifiers: MedGen C1843896, MONDO:0011831, OMIM 607450.

Allele frequency attached by ClinVar (database versions not stated): gnomAD exomes below 0.00001.

Submission:

Labcorp Genetics (formerly Invitae), Labcorp
Classification: Pathogenic for Arrhythmogenic cardiomyopathy with wooly hair and keratoderma; Arrhythmogenic right ventricular dysplasia 8. Last evaluated: 2023-10-10. Review status: criteria provided, single submitter. Criteria: Invitae Variant Classification Sherloc (09022015). Collection method: clinical testing. Allele origin: germline.
Comment: This sequence change creates a premature translational stop signal (p.Gln1453*) in the DSP gene. It is expected to result in an absent or disrupted protein product. Loss-of-function variants in DSP are known to be pathogenic (PMID: 20716751, 24503780, 25227139). This variant is not present in population databases (gnomAD no frequency). This variant has not been reported in the literature in individuals affected with DSP-related conditions. ClinVar contains an entry for this variant (Variation ID: 576091). For these reasons, this variant has been classified as Pathogenic.

Literature cited by the submitters: PubMed 20716751; PubMed 24503780; PubMed 25227139.

NM_004415.4(DSP):c.4357C>T (p.Gln1453Ter)

Gene: DSP (desmoplakin; plus strand). Cytogenetic location: 6p24.3.
Variant type: single nucleotide variant.
Coding change: c.4357C>T on transcript NM_004415.4 (MANE Select); coding-DNA position 4357, C replaced by T.
Protein change: p.Gln1453Ter; replaces glutamine 1453 with a stop codon.
Molecular consequence: nonsense. On other transcripts: intron variant (2).
Genome position (GRCh38, 1-based): chr6:7,580,547, C>T. VCF-style: chr6-7580547-C-T. GRCh37 (hg19) VCF-style: chr6-7580780-C-T.
Other names: c.4357C>T (LRG_423t1); c.4050+307C>T (NM_001319034.2); c.3582+775C>T (NM_001008844.3); short protein forms Q1453*.
Identifiers: ClinVar variation 576091 (VCV000576091.7), dbSNP rs1561698750, ClinGen allele CA362686129.